The following is an entry in ClinVar:

NM_001243279.3(ACSF3):c.120G>A (p.Ser40=)

Gene: ACSF3 (acyl-CoA synthetase family member 3; plus strand). Cytogenetic location: 16q24.3.
Variant type: single nucleotide variant.
Coding change: c.120G>A on transcript NM_001243279.3 (MANE Select); coding-DNA position 120, G replaced by A.
Protein change: p.Ser40=; no amino-acid change (serine 40 retained).
Molecular consequence: synonymous variant. On other transcripts: non-coding transcript variant (3), intron variant (1).
Genome position (GRCh38, 1-based): chr16:89,100,801, G>A. VCF-style: chr16-89100801-G-A. GRCh37 (hg19) VCF-style: chr16-89167209-G-A.
Other names: c.120G>A, p.Ser40= (NM_001127214.4, NM_174917.5); c.-129-1803G>A (NM_001284316.2).
Identifiers: ClinVar variation 753510 (VCV000753510.20), dbSNP rs34972688, ClinGen allele CA8237548.

ClinVar aggregate classification (germline): Benign/Likely benign. Review status: criteria provided, multiple submitters, no conflicts (2 of 4 stars). 3 submissions from 3 submitters: Benign (1); Likely benign (1). 1 of the submissions does not count toward it. Last evaluated 2026-08-01.

Conditions:
Combined malonic and methylmalonic acidemia. Identifiers: Orphanet 289504, MedGen C3280314, MONDO:0013661, OMIM 614265.

Allele frequency attached by ClinVar (database versions not stated): gnomAD exomes 0.00013 and 0.00029; gnomAD 0.00014 and 0.00019; TOPMed 0.00016; ExAC 0.00029.
gnomAD v4.1: 219 of 1,612,542 alleles (0.014%); highest among the groups gnomAD compares: South Asian, 0.18%; 4 homozygotes.

Submissions (3):

CeGaT Center for Human Genetics Tuebingen
Classification: Likely benign. Last evaluated: 2026-08-01. Review status: criteria provided, single submitter. Criteria: CeGaT Center For Human Genetics Tuebingen Variant Classification Criteria Version 2. Collection method: clinical testing. Allele origin: germline. Affected: yes. Observed: 2 variant alleles.
Comment: ACSF3: BP4, BP7

Labcorp Genetics (formerly Invitae), Labcorp
Classification: Benign for Combined malonic and methylmalonic acidemia. Last evaluated: 2026-01-14. Review status: criteria provided, single submitter. Criteria: Invitae Variant Classification Sherloc (09022015). Collection method: clinical testing. Allele origin: germline.

Natera, Inc.
Classification: Likely benign for Combined malonic and methylmalonic aciduria. Last evaluated: 2020-02-26. Review status: no assertion criteria provided. Collection method: clinical testing. Allele origin: germline. Not counted in ClinVar's aggregate classification.